The following is an entry in ClinVar:

NM_004187.5(KDM5C):c.2440C>G (p.Gln814Glu)

Gene: KDM5C (lysine demethylase 5C; minus strand). Cytogenetic location: Xp11.22.
Variant type: single nucleotide variant.
Coding change: c.2440C>G on transcript NM_004187.5 (MANE Select); coding-DNA position 2440, C replaced by G.
Protein change: p.Gln814Glu; replaces glutamine 814 with glutamic acid.
Molecular consequence: missense variant. On other transcripts: non-coding transcript variant (3).
Genome position (GRCh38, 1-based): chrX:53,198,566, G>C on the plus strand (C>G on the coding strand, the complement: KDM5C is on the minus strand). VCF-style: chrX-53198566-G-C. GRCh37 (hg19) VCF-style: chrX-53227748-G-C.
Other names: c.2239C>G, p.Gln747Glu (NM_001146702.2); c.2437C>G, p.Gln813Glu (NM_001282622.3, NM_001353979.2, NM_001353982.2); c.2440C>G, p.Gln814Glu (NM_001353978.3, NM_001353981.2, NM_001353984.2); short protein forms Q747E, Q813E, Q814E.
Identifiers: ClinVar variation 3370530 (VCV003370530.1).

ClinVar aggregate classification (germline): Uncertain significance (1 of 4 stars; one submission).

Submission:

GeneDx
Classification: Uncertain significance. Last evaluated: 2024-03-07. Review status: criteria provided, single submitter. Criteria: GeneDx Variant Classification Process June 2021. Collection method: clinical testing. Allele origin: germline. Affected: yes.
Comment: Not observed at significant frequency in large population cohorts (gnomAD); In silico analysis supports that this missense variant does not alter protein structure/function; Has not been previously published as pathogenic or benign to our knowledge